The following is an entry in ClinVar:

ClinVar aggregate classification (germline): Conflicting classifications of pathogenicity. Review status: criteria provided, conflicting classifications (1 of 4 stars). 4 submissions from 4 submitters: Uncertain significance (3); Likely benign (1). Last evaluated 2025-07-25.

Conditions:
Hereditary breast ovarian cancer syndrome. Also called: Hereditary breast and ovarian cancer syndrome (HBOC); Hereditary breast and ovarian cancer syndrome; Breast and ovarian cancer; Hereditary breast and/or ovarian cancer syndrome; Hereditary breast and ovarian cancer; BRCA1- and BRCA2-Associated Hereditary Breast and Ovarian Cancer. Identifiers: Orphanet 145, MedGen C0677776, MeSH D061325, MONDO:0003582. Disease mechanism: loss of function.
Hereditary cancer-predisposing syndrome. Also called: Neoplastic Syndromes, Hereditary; Hereditary Cancer Syndrome; Hereditary neoplastic syndrome; Tumor predisposition. Identifiers: Orphanet 140162, MedGen C0027672, MeSH D009386, MONDO:0015356.

Submissions (4):

Color Diagnostics, LLC DBA Color Health
Classification: Uncertain significance for Hereditary cancer-predisposing syndrome. Last evaluated: 2025-07-25. Review status: criteria provided, single submitter. Criteria: ACMG Guidelines, 2015. Collection method: clinical testing. Allele origin: germline.
Comment: This missense variant replaces isoleucine with threonine at codon 1929 of the BRCA2 protein. Computational prediction suggests that this variant may not impact protein structure and function. To our knowledge, functional studies have not been reported for this variant. This variant has not been reported in individuals affected with BRCA2-related disorders in the literature. This variant has not been identified in the general population by the Genome Aggregation Database (gnomAD). The available evidence is insufficient to determine the role of this variant in disease conclusively. Therefore, this variant is classified as a Variant of Uncertain Significance.

University of Washington Department of Laboratory Medicine, University of Washington
Classification: Likely benign for Hereditary cancer-predisposing syndrome. Last evaluated: 2023-03-23. Review status: criteria provided, single submitter. Criteria: Dines et al. (Genet Med. 2020). Collection method: curation. Allele origin: germline.
Comment: Missense variant in a coldspot region where missense variants are very unlikely to be pathogenic (PMID:31911673).

BRCA2 exon 11 coldspot. Reclassification based on statistical prior probability.

Ambry Genetics
Classification: Uncertain significance for Hereditary cancer-predisposing syndrome. Last evaluated: 2023-02-21. Review status: criteria provided, single submitter. Criteria: Ambry Variant Classification Scheme 2023. Collection method: clinical testing. Allele origin: germline.
Comment: The p.I1929T variant (also known as c.5786T>C), located in coding exon 10 of the BRCA2 gene, results from a T to C substitution at nucleotide position 5786. The isoleucine at codon 1929 is replaced by threonine, an amino acid with similar properties. This amino acid position is conserved. In addition, this alteration is predicted to be tolerated by in silico analysis. Since supporting evidence is limited at this time, the clinical significance of this alteration remains unclear.

Labcorp Genetics (formerly Invitae), Labcorp
Classification: Uncertain significance for Hereditary breast ovarian cancer syndrome. Last evaluated: 2017-05-11. Review status: criteria provided, single submitter. Criteria: Invitae Variant Classification Sherloc (09022015). Collection method: clinical testing. Allele origin: germline.
Comment: In summary, this variant is a novel missense change that is not predicted to affect protein function. There is no indication that it causes disease, but the available evidence is currently insufficient to prove that conclusively. Therefore, it has been classified as a Variant of Uncertain Significance. Algorithms developed to predict the effect of missense changes on protein structure and function output the following: SIFT: "Tolerated"; PolyPhen-2: "Benign"; Align-GVGD: "Class C0". The threonine amino acid residue is found in multiple mammalian species, suggesting that this missense change does not adversely affect protein function. These predictions have not been confirmed by published functional studies. This variant is not present in population databases (ExAC no frequency) and has not been reported in the literature in individuals with a BRCA2-related disease. This sequence change replaces isoleucine with threonine at codon 1929 of the BRCA2 protein (p.Ile1929Thr). The isoleucine residue is weakly conserved and there is a moderate physicochemical difference between isoleucine and threonine.

NM_000059.4(BRCA2):c.5786T>C (p.Ile1929Thr)

Gene: BRCA2 (BRCA2 DNA repair associated; plus strand). Cytogenetic location: 13q13.1.
Variant type: single nucleotide variant.
Coding change: c.5786T>C on transcript NM_000059.4 (MANE Select); coding-DNA position 5786, T replaced by C.
Protein change: p.Ile1929Thr; replaces isoleucine 1929 with threonine.
Molecular consequence: missense variant.
Genome position (GRCh38, 1-based): chr13:32,340,141, T>C. VCF-style: chr13-32340141-T-C. GRCh37 (hg19) VCF-style: chr13-32914278-T-C.
Other names: short protein forms I1929T.
Identifiers: ClinVar variation 462390 (VCV000462390.13), dbSNP rs1555284396, ClinGen allele CA387787159.